The following is an entry in ClinVar:

NM_024301.5(FKRP):c.1351C>T (p.Pro451Ser)

Gene: FKRP (fukutin related protein; plus strand). Cytogenetic location: 19q13.32.
Variant type: single nucleotide variant.
Coding change: c.1351C>T on transcript NM_024301.5 (MANE Select); coding-DNA position 1351, C replaced by T.
Protein change: p.Pro451Ser; replaces proline 451 with serine.
Molecular consequence: missense variant.
Genome position (GRCh38, 1-based): chr19:46,756,801, C>T. VCF-style: chr19-46756801-C-T. GRCh37 (hg19) VCF-style: chr19-47260058-C-T.
Other names: c.1351C>T, p.Pro451Ser (NM_001039885.3); short protein forms P451S.
Identifiers: ClinVar variation 3227826 (VCV003227826.1), dbSNP rs2513999386, ClinGen allele CA406497193.

ClinVar aggregate classification (germline): Uncertain significance (1 of 4 stars; one submission).

Conditions:
Cardiovascular phenotype. Identifiers: MedGen CN230736.

Allele frequency attached by ClinVar (database versions not stated): gnomAD exomes below 0.00001.
gnomAD v4.1: 1 of 1,600,812 alleles (0.000062%); highest among the groups gnomAD compares: Non-Finnish European, 0.000085%; no homozygotes.

Submission:

Ambry Genetics
Classification: Uncertain significance for Cardiovascular phenotype. Last evaluated: 2024-02-10. Review status: criteria provided, single submitter. Criteria: Ambry Variant Classification Scheme 2023. Collection method: clinical testing. Allele origin: germline.
Comment: The p.P451S variant (also known as c.1351C>T), located in coding exon 1 of the FKRP gene, results from a C to T substitution at nucleotide position 1351. The proline at codon 451 is replaced by serine, an amino acid with similar properties. This amino acid position is conserved. In addition, the in silico prediction for this alteration is inconclusive. Based on the available evidence, the clinical significance of this alteration remains unclear.